The following is an entry in ClinVar:

NM_024589.3(ROGDI):c.724A>G (p.Ser242Gly)

Gene: ROGDI (rogdi atypical leucine zipper; minus strand). Cytogenetic location: 16p13.3.
Variant type: single nucleotide variant.
Coding change: c.724A>G on transcript NM_024589.3 (MANE Select); coding-DNA position 724, A replaced by G.
Protein change: p.Ser242Gly; replaces serine 242 with glycine.
Molecular consequence: missense variant. On other transcripts: non-coding transcript variant (1).
Genome position (GRCh38, 1-based): chr16:4,797,812, T>C on the plus strand (A>G on the coding strand, the complement: ROGDI is on the minus strand). VCF-style: chr16-4797812-T-C. GRCh37 (hg19) VCF-style: chr16-4847813-T-C.
Other names: short protein forms S242G.
Identifiers: ClinVar variation 570251 (VCV000570251.7), dbSNP rs148274786, ClinGen allele CA7882507.

ClinVar aggregate classification (germline): Uncertain significance. Review status: criteria provided, multiple submitters, no conflicts (2 of 4 stars). 2 submissions from 2 submitters: Uncertain significance (2). Last evaluated 2024-09-09.

Conditions:
Amelocerebrohypohidrotic syndrome (KTZS). Also called: Kohlschutter's syndrome; EPILEPSY AND YELLOW TEETH; EPILEPSY, DEMENTIA, AND AMELOGENESIS IMPERFECTA; KOHLSCHUTTER SYNDROME. Identifiers: Orphanet 1946, MedGen C0406740, MONDO:0009185, OMIM 226750.

Allele frequency attached by ClinVar (database versions not stated): gnomAD 0.00002; TOPMed 0.00004; gnomAD exomes 0.00008.
gnomAD v4.1: 127 of 1,612,614 alleles (0.0079%); highest among the groups gnomAD compares: Admixed American, 0.02%; no homozygotes.

Submissions (2):

Blueprint Genetics
Classification: Uncertain significance. Last evaluated: 2024-09-09. Review status: criteria provided, single submitter. Criteria: ACMG Guidelines, 2015. Collection method: clinical testing. Allele origin: germline.

Labcorp Genetics (formerly Invitae), Labcorp
Classification: Uncertain significance for Amelocerebrohypohidrotic syndrome. Last evaluated: 2024-06-10. Review status: criteria provided, single submitter. Criteria: Invitae Variant Classification Sherloc (09022015). Collection method: clinical testing. Allele origin: germline.
Comment: This sequence change replaces serine, which is neutral and polar, with glycine, which is neutral and non-polar, at codon 242 of the ROGDI protein (p.Ser242Gly). This variant is present in population databases (rs148274786, gnomAD 0.02%). This variant has not been reported in the literature in individuals affected with ROGDI-related conditions. ClinVar contains an entry for this variant (Variation ID: 570251). An algorithm developed to predict the effect of missense changes on protein structure and function (PolyPhen-2) suggests that this variant¬†is likely to be tolerated. In summary, the available evidence is currently insufficient to determine the role of this variant in disease. Therefore, it has been classified as a Variant of Uncertain Significance.